The following is an entry in ClinVar:

ClinVar aggregate classification (germline): Likely benign. Review status: criteria provided, multiple submitters, no conflicts (2 of 4 stars). 4 submissions from 4 submitters: Likely benign (3). 1 of the submissions does not count toward it. Last evaluated 2025-12-19.

Conditions:
Developmental and epileptic encephalopathy, 8 (DEE8). Also called: HYPEREKPLEXIA AND EPILEPSY. Identifiers: Orphanet 163985, Orphanet 2076, MedGen C1845102, MONDO:0010375, OMIM 300607.
ARHGEF9-related disorder. Also called: ARHGEF9-related condition.

Allele frequency attached by ClinVar (database versions not stated): gnomAD exomes 0.00002 and 0.00003; ExAC 0.00006; ESP Exome Variant Server 0.00009; TOPMed 0.00015; gnomAD 0.00016.
gnomAD v4.1: 49 of 1,207,168 alleles (0.0041%); highest among the groups gnomAD compares: African/African-American, 0.065%; no homozygotes.

Submissions (4):

Labcorp Genetics (formerly Invitae), Labcorp
Classification: Likely benign for Developmental and epileptic encephalopathy, 8. Last evaluated: 2025-12-19. Review status: criteria provided, single submitter. Criteria: Invitae Variant Classification Sherloc (09022015). Collection method: clinical testing. Allele origin: germline.

Athena Diagnostics
Classification: Likely benign. Last evaluated: 2017-02-01. Review status: criteria provided, single submitter. Criteria: Athena Diagnostics Criteria. Collection method: clinical testing. Allele origin: germline.

GeneDx
Classification: Likely benign. Last evaluated: 2016-09-21. Review status: criteria provided, single submitter. Criteria: GeneDx Variant Classification (06012015). Collection method: clinical testing. Allele origin: germline. Affected: yes.
Comment: This variant is considered likely benign or benign based on one or more of the following criteria: it is a conservative change, it occurs at a poorly conserved position in the protein, it is predicted to be benign by multiple in silico algorithms, and/or has population frequency not consistent with disease.

PreventionGenetics, part of Exact Sciences
Classification: Likely benign for ARHGEF9-related condition. Last evaluated: 2019-07-16. Review status: no assertion criteria provided. Collection method: clinical testing. Allele origin: germline. Not counted in ClinVar's aggregate classification.
Comment: This variant is classified as likely benign based on ACMG/AMP sequence variant interpretation guidelines (Richards et al. 2015 PMID: 25741868, with internal and published modifications).

Literature cited by the submitters: PubMed 21731583 (cited by Athena Diagnostics).

NM_001353921.2(ARHGEF9):c.579G>A (p.Glu193=)

Gene: ARHGEF9 (Cdc42 guanine nucleotide exchange factor 9; minus strand). Cytogenetic location: Xq11.1.
Variant type: single nucleotide variant.
Coding change: c.579G>A on transcript NM_001353921.2 (MANE Select); coding-DNA position 579, G replaced by A.
Protein change: p.Glu193=; no amino-acid change (glutamic acid 193 retained).
Molecular consequence: synonymous variant.
Genome position (GRCh38, 1-based): chrX:63,697,128, C>T on the plus strand (G>A on the coding strand, the complement: ARHGEF9 is on the minus strand). VCF-style: chrX-63697128-C-T. GRCh37 (hg19) VCF-style: chrX-62917008-C-T.
Other names: c.399G>A, p.Glu133= (NM_001173479.2); c.252G>A, p.Glu84= (NM_001173480.2, NM_001369042.1); c.495G>A, p.Glu165= (NM_001330495.2, NM_001353927.2, NM_001369033.1 and 8 more transcripts); c.579G>A, p.Glu193= (NM_001353922.2); c.597G>A, p.Glu199= (NM_001353923.1); c.378G>A, p.Glu126= (NM_001353924.2, NM_001353926.2, NM_001369039.1 and 1 more transcripts); c.558G>A, p.Glu186= (NM_001353928.2, NM_001369030.1, NM_001369031.1 and 2 more transcripts); c.144G>A, p.Glu48= (NM_001369045.1).
Identifiers: ClinVar variation 389108 (VCV000389108.14), dbSNP rs56182751, ClinGen allele CA10431931.
Genomic context (GRCh38, chrX:63,697,128, plus strand): 5'-CCTTCCATTGTTTCCTAACACCTCTCAAAACCCTCCCCAAATGGATAAGATACTTACGTG[C>T]TCTAGGAAGCAGGGTCCTATCTCGCTGAGGTGGGGGTCATCATTGTTATACTGTTTCTCC-3'
Protein context (NP_001340850.1, residues 183-203): HLSEIGPCFL[Glu193=]HQDGFWIYSE